The following is an entry in ClinVar:

NM_001194998.2(CEP152):c.250C>T (p.Gln84Ter)

Gene: CEP152 (centrosomal protein 152; minus strand). Cytogenetic location: 15q21.1.
Variant type: single nucleotide variant.
Coding change: c.250C>T on transcript NM_001194998.2 (MANE Select); coding-DNA position 250, C replaced by T.
Protein change: p.Gln84Ter; replaces glutamine 84 with a stop codon.
Molecular consequence: nonsense.
Genome position (GRCh38, 1-based): chr15:48,797,672, G>A on the plus strand (C>T on the coding strand, the complement: CEP152 is on the minus strand). VCF-style: chr15-48797672-G-A. GRCh37 (hg19) VCF-style: chr15-49089869-G-A.
Other names: c.250C>T, p.Gln84Ter (NM_014985.4); short protein forms Q84*.
Identifiers: ClinVar variation 2828165 (VCV002828165.3), dbSNP rs2504932216, ClinGen allele CA392358310.

ClinVar aggregate classification (germline): Pathogenic (1 of 4 stars; one submission).

Submission:

Labcorp Genetics (formerly Invitae), Labcorp
Classification: Pathogenic. Last evaluated: 2023-11-14. Review status: criteria provided, single submitter. Criteria: Invitae Variant Classification Sherloc (09022015). Collection method: clinical testing. Allele origin: germline.
Comment: This sequence change creates a premature translational stop signal (p.Gln84*) in the CEP152 gene. It is expected to result in an absent or disrupted protein product. Loss-of-function variants in CEP152 are known to be pathogenic (PMID: 21131973). This variant is not present in population databases (gnomAD no frequency). This variant has not been reported in the literature in individuals affected with CEP152-related conditions. Algorithms developed to predict the effect of sequence changes on RNA splicing suggest that this variant may disrupt the consensus splice site. For these reasons, this variant has been classified as Pathogenic.

Literature cited by the submitters: PubMed 21131973.